The following is an entry in ClinVar:

NM_001378454.1(ALMS1):c.1734G>A (p.Arg578=)

Gene: ALMS1 (ALMS1 centrosome and basal body associated protein; plus strand). Cytogenetic location: 2p13.1.
Variant type: single nucleotide variant.
Coding change: c.1734G>A on transcript NM_001378454.1 (MANE Select); coding-DNA position 1734, G replaced by A.
Protein change: p.Arg578=; no amino-acid change (arginine 578 retained).
Molecular consequence: synonymous variant.
Genome position (GRCh38, 1-based): chr2:73,448,261, G>A. VCF-style: chr2-73448261-G-A. GRCh37 (hg19) VCF-style: chr2-73675388-G-A.
Other names: c.1737G>A, p.Arg579= (NM_015120.4).
Identifiers: ClinVar variation 795793 (VCV000795793.10), dbSNP rs1027908105, ClinGen allele CA50391124.

ClinVar aggregate classification (germline): Likely benign. Review status: criteria provided, multiple submitters, no conflicts (2 of 4 stars). 2 submissions from 2 submitters: Likely benign (2). Last evaluated 2025-04-24.

Conditions:
Alstrom syndrome (ALMS). Identifiers: Orphanet 64, MedGen C0268425, MONDO:0008763, OMIM 203800.
ALMS1-related disorder. Also called: ALMS1-related condition.

Allele frequency attached by ClinVar (database versions not stated): gnomAD exomes below 0.00001; TOPMed below 0.00001; gnomAD 0.00001.
gnomAD v4.1: 1 of 1,612,362 alleles (0.000062%); highest among the groups gnomAD compares: African/African-American, 0.0013%; no homozygotes.

Submissions (2):

PreventionGenetics, part of Exact Sciences
Classification: Likely benign for ALMS1-related condition. Last evaluated: 2025-04-24. Review status: criteria provided, single submitter. Criteria: ACMG Guidelines, 2015. Collection method: clinical testing. Allele origin: germline.
Comment: This variant is classified as likely benign based on ACMG/AMP sequence variant interpretation guidelines (Richards et al. 2015 PMID: 25741868, with internal and published modifications).

Labcorp Genetics (formerly Invitae), Labcorp
Classification: Likely benign for Alstrom syndrome. Last evaluated: 2018-11-20. Review status: criteria provided, single submitter. Criteria: Invitae Variant Classification Sherloc (09022015). Collection method: clinical testing. Allele origin: germline.